The following is an entry in ClinVar:

NM_023067.4(FOXL2):c.734T>G (p.Val245Gly)

Gene: FOXL2 (forkhead box L2; minus strand). Cytogenetic location: 3q22.3.
Variant type: single nucleotide variant.
Coding change: c.734T>G on transcript NM_023067.4 (MANE Select); coding-DNA position 734, T replaced by G.
Protein change: p.Val245Gly; replaces valine 245 with glycine.
Molecular consequence: missense variant.
Genome position (GRCh38, 1-based): chr3:138,945,989, A>C on the plus strand (T>G on the coding strand, the complement: FOXL2 is on the minus strand). VCF-style: chr3-138945989-A-C. GRCh37 (hg19) VCF-style: chr3-138664831-A-C.
Other names: short protein forms V245G.
Identifiers: ClinVar variation 2031098 (VCV002031098.4), dbSNP rs1935955731, ClinGen allele CA354703945.

ClinVar aggregate classification (germline): Uncertain significance (1 of 4 stars; one submission).

Allele frequency attached by ClinVar (database versions not stated): gnomAD exomes below 0.00001; TOPMed below 0.00001; gnomAD 0.00001.
gnomAD v4.1: 4 of 1,407,072 alleles (0.00028%); highest among the groups gnomAD compares: Non-Finnish European, 0.00037%; no homozygotes.

Submission:

Labcorp Genetics (formerly Invitae), Labcorp
Classification: Uncertain significance. Last evaluated: 2022-09-18. Review status: criteria provided, single submitter. Criteria: Invitae Variant Classification Sherloc (09022015). Collection method: clinical testing. Allele origin: germline.
Comment: This sequence change replaces valine, which is neutral and non-polar, with glycine, which is neutral and non-polar, at codon 245 of the FOXL2 protein (p.Val245Gly). This variant is not present in population databases (gnomAD no frequency). This variant has not been reported in the literature in individuals affected with FOXL2-related conditions. Algorithms developed to predict the effect of missense changes on protein structure and function are either unavailable or do not agree on the potential impact of this missense change (SIFT: "Deleterious"; PolyPhen-2: "Benign"; Align-GVGD: "Class C0"). In summary, the available evidence is currently insufficient to determine the role of this variant in disease. Therefore, it has been classified as a Variant of Uncertain Significance.